The following is an entry in ClinVar:

NM_207111.4(RNF216):c.1754C>T (p.Thr585Met)

Gene: RNF216 (ring finger protein 216; minus strand). Cytogenetic location: 7p22.1.
Variant type: single nucleotide variant.
Coding change: c.1754C>T on transcript NM_207111.4 (MANE Select); coding-DNA position 1754, C replaced by T.
Protein change: p.Thr585Met; replaces threonine 585 with methionine.
Molecular consequence: missense variant.
Genome position (GRCh38, 1-based): chr7:5,715,132, G>A on the plus strand (C>T on the coding strand, the complement: RNF216 is on the minus strand). VCF-style: chr7-5715132-G-A. GRCh37 (hg19) VCF-style: chr7-5754763-G-A.
Other names: c.1583C>T, p.Thr528Met (NM_001377156.1, NM_207116.3); short protein forms T528M, T585M.
Identifiers: ClinVar variation 3602193 (VCV003602193.1).

ClinVar aggregate classification (germline): Likely pathogenic (1 of 4 stars; one submission).

gnomAD v4.1: 9 of 1,613,734 alleles (0.00056%); highest among the groups gnomAD compares: South Asian, 0.0011%; no homozygotes.

Submission:

GeneDx
Classification: Likely pathogenic. Last evaluated: 2024-07-30. Review status: criteria provided, single submitter. Criteria: GeneDx Variant Classification Process June 2021. Collection method: clinical testing. Allele origin: germline. Affected: yes.
Comment: Not observed at significant frequency in large population cohorts (gnomAD); In silico analysis supports that this missense variant has a deleterious effect on protein structure/function; This variant is associated with the following publications: (PMID: 29482223, 38853469)